The following is an entry in ClinVar:

NM_004817.4(TJP2):c.1929C>T (p.Gly643=)

Gene: TJP2 (tight junction protein 2; plus strand). Cytogenetic location: 9q21.11.
Variant type: single nucleotide variant.
Coding change: c.1929C>T on transcript NM_004817.4 (MANE Select); coding-DNA position 1929, C replaced by T.
Protein change: p.Gly643=; no amino-acid change (glycine 643 retained).
Molecular consequence: synonymous variant.
Genome position (GRCh38, 1-based): chr9:69,236,176, C>T. VCF-style: chr9-69236176-C-T. GRCh37 (hg19) VCF-style: chr9-71851092-C-T.
Other names: c.1929C>T (NM_004817.3); c.1860C>T, p.Gly620= (NM_001170414.2, NM_001369871.1); c.1941C>T, p.Gly647= (NM_001170415.1, NM_001369874.1, NM_001369875.1); c.2022C>T, p.Gly674= (NM_001170416.2); c.1854C>T, p.Gly618= (NM_001369870.1); c.1929C>T, p.Gly643= (NM_001369872.1, NM_001369873.1, NM_201629.3).
Identifiers: ClinVar variation 2876251 (VCV002876251.4), dbSNP rs1830175035, ClinGen allele CA465251547.

ClinVar aggregate classification (germline): Likely benign. Review status: criteria provided, single submitter (1 of 4 stars). 2 submissions from 2 submitters: Likely benign (1). 1 of the submissions does not count toward it. Last evaluated 2025-06-02.

Conditions:
TJP2-related disorder. Also called: TJP2-related condition.

Allele frequency attached by ClinVar (database versions not stated): TOPMed 0.00002.
gnomAD v4.1: 1 of 1,614,146 alleles (0.000062%); highest among the groups gnomAD compares: Admixed American, 0.0017%; no homozygotes.

Submissions (2):

Labcorp Genetics (formerly Invitae), Labcorp
Classification: Likely benign. Last evaluated: 2025-06-02. Review status: criteria provided, single submitter. Criteria: Invitae Variant Classification Sherloc (09022015). Collection method: clinical testing. Allele origin: germline.

PreventionGenetics, part of Exact Sciences
Classification: Likely benign for TJP2-related condition. Last evaluated: 2024-04-04. Review status: no assertion criteria provided. Collection method: clinical testing. Allele origin: germline. Not counted in ClinVar's aggregate classification.
Comment: This variant is classified as likely benign based on ACMG/AMP sequence variant interpretation guidelines (Richards et al. 2015 PMID: 25741868, with internal and published modifications).